The following is an entry in ClinVar:

NM_013437.5(LRP12):c.3G>A (p.Met1Ile)

Gene: LRP12 (LDL receptor related protein 12; minus strand). Cytogenetic location: 8q22.3.
Variant type: single nucleotide variant.
Coding change: c.3G>A on transcript NM_013437.5 (MANE Select); coding-DNA position 3, G replaced by A.
Protein change: p.Met1Ile; changes the start codon (methionine 1).
Molecular consequence: missense variant, initiator codon variant.
Genome position (GRCh38, 1-based): chr8:104,588,895, C>T on the plus strand (G>A on the coding strand, the complement: LRP12 is on the minus strand). VCF-style: chr8-104588895-C-T. GRCh37 (hg19) VCF-style: chr8-105601123-C-T.
Other names: c.3G>A, p.Met1Ile (NM_001135703.3); short protein forms M1I.
Identifiers: ClinVar variation 5020235 (VCV005020235.1).
Genomic context (GRCh38, chr8:104,588,895, plus strand): 5'-GAAAAGCAAGAGCAACGCAGACCTCCACCGCGGAGACTCTTTTGTGCTCCAGCGACAGGC[C>T]ATAACCACAGCAGATGGAGAGAGAGAGGAGGAGACGGAGGAGGAGGGAGGAGAAGCTGGA-3'
Protein context (NP_038465.1, residues 1-11): [Met1Ile]ACRWSTKESP

ClinVar aggregate classification (germline): Uncertain significance (1 of 4 stars; one submission).

Submission:

Dasa
Classification: Uncertain significance. Last evaluated: 2026-07-06. Review status: criteria provided, single submitter. Criteria: DASA Assertion Criteria. Collection method: clinical testing. Allele origin: germline.
Comment: NM_013437.5(LRP12):c.3G>A (p.Met1?) is a start-loss variant predicted to alter the translation initiation codon and impair normal protein translation. This variant is rare in population databases. The currently available literature and clinical evidence are not sufficient to establish a definitive association between this variant and the reported condition. Therefore, this variant is classified as a variant of uncertain significance.